The following is an entry in ClinVar:

NM_000368.5(TSC1):c.1692_1693dup (p.Ser565fs)

Gene: TSC1 (TSC complex subunit 1; minus strand). Cytogenetic location: 9q34.13.
Variant type: Duplication.
Coding change: c.1692_1693dup on transcript NM_000368.5 (MANE Select); coding-DNA positions 1692 to 1693, 2 bases duplicated (AA; older notation c.1692_1693dupAA).
Protein change: p.Ser565fs; shifts the reading frame from serine 565.
Molecular consequence: frameshift variant.
Genome position (GRCh38, 1-based): chr9:132,905,885-132,905,886, TT duplicated on the plus strand (AA on the coding strand, the reverse complement: TSC1 is on the minus strand); duplicating any 2 consecutive bases within chr9:132,905,885-132,905,887 gives the same sequence; the c. name uses the placement nearest the transcript's 3' end. VCF-style (leftmost placement, unchanged base first): chr9-132905884-C-CTT. GRCh37 (hg19) VCF-style: chr9-135781271-C-CTT.
Other names: c.1689_1690dup, p.Ser564fs (NM_001162426.2); c.1539_1540dup, p.Ser514fs (NM_001162427.2); c.1329_1330dup, p.Ser444fs (NM_001362177.2); short protein forms S444fs, S514fs, S564fs, S565fs.
Identifiers: ClinVar variation 1452350 (VCV001452350.6), dbSNP rs118203562, ClinGen allele CA2573144284.

ClinVar aggregate classification (germline): Pathogenic (1 of 4 stars; one submission).

Conditions:
Tuberous sclerosis 1 (TSC1). Identifiers: Orphanet 805, MedGen C1854465, MONDO:0008612, OMIM 191100.

Submission:

Labcorp Genetics (formerly Invitae), Labcorp
Classification: Pathogenic for Tuberous sclerosis 1. Last evaluated: 2024-10-17. Review status: criteria provided, single submitter. Criteria: Invitae Variant Classification Sherloc (09022015). Collection method: clinical testing. Allele origin: germline.
Comment: This sequence change creates a premature translational stop signal (p.Ser565Lysfs*65) in the TSC1 gene. It is expected to result in an absent or disrupted protein product. Loss-of-function variants in TSC1 are known to be pathogenic (PMID: 10227394, 17304050). This variant is not present in population databases (gnomAD no frequency). This variant has not been reported in the literature in individuals affected with TSC1-related conditions. ClinVar contains an entry for this variant (Variation ID: 1452350). For these reasons, this variant has been classified as Pathogenic.

Literature cited by the submitters: PubMed 10227394; PubMed 17304050.